The following is an entry in ClinVar:

NM_000038.6(APC):c.6394T>A (p.Ser2132Thr)

Gene: APC (APC regulator of Wnt signaling pathway; plus strand). Cytogenetic location: 5q22.2.
Variant type: single nucleotide variant.
Coding change: c.6394T>A on transcript NM_000038.6 (MANE Select); coding-DNA position 6394, T replaced by A.
Protein change: p.Ser2132Thr; replaces serine 2132 with threonine.
Molecular consequence: missense variant. On other transcripts: non-coding transcript variant (2).
Genome position (GRCh38, 1-based): chr5:112,841,988, T>A. VCF-style: chr5-112841988-T-A. GRCh37 (hg19) VCF-style: chr5-112177685-T-A.
Other names: c.6394T>A, p.Ser2132Thr (NM_001127510.3, NM_001354895.2, NM_001407450.1); c.6340T>A, p.Ser2114Thr (NM_001127511.3); c.6448T>A, p.Ser2150Thr (NM_001354896.2, NM_001407447.1, NM_001407448.1 and 1 more transcripts); c.6424T>A, p.Ser2142Thr (NM_001354897.2); c.6319T>A, p.Ser2107Thr (NM_001354898.2); c.6310T>A, p.Ser2104Thr (NM_001354899.2); c.6271T>A, p.Ser2091Thr (NM_001354900.2); c.6217T>A, p.Ser2073Thr (NM_001354901.2, NM_001407453.1); and 11 more; short protein forms S2003T, S1748T, S1972T, S2031T, S1849T, S2041T, S2091T, S2107T.
Identifiers: ClinVar variation 2452750 (VCV002452750.3), dbSNP rs1554087394, ClinGen allele CA16035330.
Genomic context (GRCh38, chr5:112,841,988, plus strand): 5'-GTAAGTAGTTTACATCAAGCTGCTGCTGCTGCATGTTTATCTAGACAAGCTTCGTCTGAT[T>A]CAGATTCCATCCTTTCCCTGAAATCAGGAATCTCTCTGGGATCACCATTTCATCTTACAC-3'
Protein context (NP_000029.2, residues 2122-2142): ACLSRQASSD[Ser2132Thr]DSILSLKSGI

ClinVar aggregate classification (germline): Uncertain significance. Review status: criteria provided, multiple submitters, no conflicts (2 of 4 stars). 2 submissions from 2 submitters: Uncertain significance (2). Last evaluated 2023-03-28.

Conditions:
Hereditary cancer-predisposing syndrome. Also called: Neoplastic Syndromes, Hereditary; Tumor predisposition; Hereditary neoplastic syndrome; Hereditary Cancer Syndrome. Identifiers: Orphanet 140162, MedGen C0027672, MeSH D009386, MONDO:0015356.
Classic or attenuated familial adenomatous polyposis. Identifiers: MedGen CN372698, MONDO:0021057.

Submissions (2):

All of Us Research Program, National Institutes of Health
Classification: Uncertain significance for Classic or attenuated familial adenomatous polyposis. Last evaluated: 2023-03-28. Review status: criteria provided, single submitter. Criteria: ACMG Guidelines, 2015. Collection method: clinical testing. Allele origin: germline. Inheritance: Autosomal dominant inheritance. Observed: 1 variant allele, 1 heterozygote.
Comment: This study involves interpretation of variants in research participants for the purpose of population health screening. Participant phenotype was not available at the time of variant classification. Additional details can be found in publication PMID: 35346344, PMCID: PMC8962531

Ambry Genetics
Classification: Uncertain significance for Hereditary cancer-predisposing syndrome. Last evaluated: 2023-02-17. Review status: criteria provided, single submitter. Criteria: Ambry Variant Classification Scheme 2023. Collection method: clinical testing. Allele origin: germline.
Comment: The p.S2132T variant (also known as c.6394T>A), located in coding exon 15 of the APC gene, results from a T to A substitution at nucleotide position 6394. The serine at codon 2132 is replaced by threonine, an amino acid with similar properties. This amino acid position is conserved. In addition, in silico predictors for this gene do not accurately predict pathogenicity. Since supporting evidence is limited at this time, the clinical significance of this alteration remains unclear.